The following is an entry in ClinVar:

NM_000465.4(BARD1):c.794C>G (p.Ser265Cys)

Gene: BARD1 (BRCA1 associated RING domain 1; minus strand). Cytogenetic location: 2q35.
Variant type: single nucleotide variant.
Coding change: c.794C>G on transcript NM_000465.4 (MANE Select); coding-DNA position 794, C replaced by G.
Protein change: p.Ser265Cys; replaces serine 265 with cysteine.
Molecular consequence: missense variant. On other transcripts: non-coding transcript variant (2), intron variant (3).
Genome position (GRCh38, 1-based): chr2:214,781,080, G>C on the plus strand (C>G on the coding strand, the complement: BARD1 is on the minus strand). VCF-style: chr2-214781080-G-C. GRCh37 (hg19) VCF-style: chr2-215645804-G-C.
Other names: c.737C>G, p.Ser246Cys (NM_001282543.2); c.158+28332C>G (NM_001282548.2); c.215+15981C>G (NM_001282545.2); c.364+11217C>G (NM_001282549.2); short protein forms S265C, S246C.
Identifiers: ClinVar variation 2881502 (VCV002881502.3), dbSNP rs1434287864, ClinGen allele CA350455667.

ClinVar aggregate classification (germline): Uncertain significance (1 of 4 stars; one submission).

Conditions:
Familial cancer of breast. Also called: BREAST CANCER, FAMILIAL; hereditary breast carcinoma; Hereditary breast cancer. Identifiers: Orphanet 227535, MedGen C0346153, MONDO:0016419, OMIM 114480. Disease mechanism: loss of function.

gnomAD v4.1: 1 of 1,595,672 alleles (0.000063%); highest among the groups gnomAD compares: Admixed American, 0.0018%; no homozygotes.

Submission:

Labcorp Genetics (formerly Invitae), Labcorp
Classification: Uncertain significance for Familial cancer of breast. Last evaluated: 2026-01-26. Review status: criteria provided, single submitter. Criteria: Invitae Variant Classification Sherloc (09022015). Collection method: clinical testing. Allele origin: germline.
Comment: This sequence change replaces serine, which is neutral and polar, with cysteine, which is neutral and slightly polar, at codon 265 of the BARD1 protein (p.Ser265Cys). This variant is present in population databases (no rsID available, gnomAD 0.003%). This variant has not been reported in the literature in individuals affected with BARD1-related conditions. ClinVar contains an entry for this variant (Variation ID: 2881502). An algorithm developed to predict the effect of missense changes on protein structure and function (PolyPhen-2) suggests that this variant is likely to be disruptive. In summary, the available evidence is currently insufficient to determine the role of this variant in disease. Therefore, it has been classified as a Variant of Uncertain Significance.